The following is an entry in ClinVar:

ClinVar aggregate classification (germline): Uncertain significance (1 of 4 stars; one submission).

Submission:

Labcorp Genetics (formerly Invitae), Labcorp
Classification: Uncertain significance. Last evaluated: 2024-11-11. Review status: criteria provided, single submitter. Criteria: Invitae Variant Classification Sherloc (09022015). Collection method: clinical testing. Allele origin: germline.
Comment: This sequence change replaces phenylalanine, which is neutral and non-polar, with leucine, which is neutral and non-polar, at codon 1672 of the POLE protein (p.Phe1672Leu). This variant is not present in population databases (gnomAD no frequency). This variant has not been reported in the literature in individuals affected with POLE-related conditions. ClinVar contains an entry for this variant (Variation ID: 1490595). Invitae Evidence Modeling of protein sequence and biophysical properties (such as structural, functional, and spatial information, amino acid conservation, physicochemical variation, residue mobility, and thermodynamic stability) indicates that this missense variant is not expected to disrupt POLE protein function with a negative predictive value of 80%. In summary, the available evidence is currently insufficient to determine the role of this variant in disease. Therefore, it has been classified as a Variant of Uncertain Significance.

NM_006231.4(POLE):c.5014T>C (p.Phe1672Leu)

Gene: POLE (DNA polymerase epsilon, catalytic subunit; minus strand). Cytogenetic location: 12q24.33.
Variant type: single nucleotide variant.
Coding change: c.5014T>C on transcript NM_006231.4 (MANE Select); coding-DNA position 5014, T replaced by C.
Protein change: p.Phe1672Leu; replaces phenylalanine 1672 with leucine.
Molecular consequence: missense variant.
Genome position (GRCh38, 1-based): chr12:132,642,336, A>G on the plus strand (T>C on the coding strand, the complement: POLE is on the minus strand). VCF-style: chr12-132642336-A-G. GRCh37 (hg19) VCF-style: chr12-133218922-A-G.
Other names: short protein forms F1672L.
Identifiers: ClinVar variation 1490595 (VCV001490595.8), dbSNP rs2138531206, ClinGen allele CA387377373.